The following is an entry in ClinVar:

NM_032043.3(BRIP1):c.3015dup (p.Asn1006Ter)

Gene: BRIP1 (BRCA1 interacting DNA helicase 1; minus strand). Cytogenetic location: 17q23.2.
Variant type: Duplication.
Coding change: c.3015dup on transcript NM_032043.3 (MANE Select); coding-DNA position 3015, one base duplicated (T; older notation c.3015dupT).
Protein change: p.Asn1006Ter; replaces asparagine 1006 with a stop codon.
Molecular consequence: nonsense.
Genome position (GRCh38, 1-based): chr17:61,684,031, A duplicated on the plus strand (T on the coding strand, the reverse complement: BRIP1 is on the minus strand); the first of 3 consecutive A bases (chr17:61,684,031-61,684,033); duplicating any one gives the same sequence. VCF-style (leftmost placement, unchanged base first): chr17-61684030-T-TA. GRCh37 (hg19) VCF-style: chr17-59761391-T-TA.
Other names: c.3015dupT (NM_032043.2); short protein forms N1006*.
Identifiers: ClinVar variation 648600 (VCV000648600.13), dbSNP rs1603275598, ClinGen allele CA915950688.

ClinVar aggregate classification (germline): Uncertain significance. Review status: criteria provided, multiple submitters, no conflicts (2 of 4 stars). 2 submissions from 2 submitters: Uncertain significance (2). Last evaluated 2025-10-20.

Conditions:
Hereditary cancer-predisposing syndrome. Also called: Hereditary Cancer Syndrome; Tumor predisposition; Neoplastic Syndromes, Hereditary; Hereditary neoplastic syndrome. Identifiers: Orphanet 140162, MedGen C0027672, MeSH D009386, MONDO:0015356.
Familial cancer of breast. Also called: hereditary breast carcinoma; BREAST CANCER, FAMILIAL; Hereditary breast cancer. Identifiers: Orphanet 227535, MedGen C0346153, MONDO:0016419, OMIM 114480. Disease mechanism: loss of function.
Fanconi anemia complementation group J. Also called: BRIP1-Related Fanconi Anemia. Identifiers: Orphanet 84, MedGen C1836860, MONDO:0012187, OMIM 609054.

Submissions (2):

Ambry Genetics
Classification: Uncertain significance for Hereditary cancer-predisposing syndrome. Last evaluated: 2025-10-20. Review status: criteria provided, single submitter. Criteria: Ambry Variant Classification Scheme 2023. Collection method: clinical testing. Allele origin: germline.
Comment: The c.3015dupT variant, located in coding exon 19 of the BRIP1 gene, results from a duplication of T at nucleotide position 3015, causing a translational frameshift with a predicted alternate stop codon (p.N1006*). This alteration occurs at the 3' terminus of theBRIP1 gene, is not expected to trigger nonsense-mediated mRNAdecay, and only impacts the last 244 amino acids of the protein. The C-terminal region of the protein has been shown by structural, biochemical, and mutational analysis to be relevant for the protein function (Leung CC et al. J. Biol. Chem. 2011 Feb; 286(6):4292-301. Xie J et al. PLoS Genet. 2012 Jul; 8(7):e1002786; Gong Z et al. Mol. Cell, 2010 Feb;37:438-46). However, the exact functional effect of this alteration is unknown. Since supporting evidence is limited at this time, the clinical significance of this alteration remains unclear.

Labcorp Genetics (formerly Invitae), Labcorp
Classification: Uncertain significance for Familial cancer of breast; Fanconi anemia complementation group J. Last evaluated: 2025-07-17. Review status: criteria provided, single submitter. Criteria: Invitae Variant Classification Sherloc (09022015). Collection method: clinical testing. Allele origin: germline.
Comment: This sequence change creates a premature translational stop signal (p.Asn1006*) in the BRIP1 gene. While this is not anticipated to result in nonsense mediated decay, it is expected to disrupt the last 244 amino acid(s) of the BRIP1 protein. This variant is not present in population databases (gnomAD no frequency). This variant has not been reported in the literature in individuals affected with BRIP1-related conditions. ClinVar contains an entry for this variant (Variation ID: 648600). In summary, the available evidence is currently insufficient to determine the role of this variant in disease. Therefore, it has been classified as a Variant of Uncertain Significance.

Literature cited by the submitters: PubMed 20159562 (cited by Ambry Genetics); PubMed 21127055 (cited by Ambry Genetics).